The following is an entry in ClinVar:

ClinVar aggregate classification (germline): Conflicting classifications of pathogenicity. Review status: criteria provided, conflicting classifications (1 of 4 stars). 2 submissions from 2 submitters: Uncertain significance (1); Likely benign (1). Last evaluated 2025-12-09.

Conditions:
Myofibrillar myopathy 6. Identifiers: Orphanet 199340, MedGen C2751831, MONDO:0013061, OMIM 612954.
Dilated cardiomyopathy 1HH (CMD1HH). Identifiers: Orphanet 154, MedGen C3151293, MONDO:0013479, OMIM 613881.
Cardiovascular phenotype. Identifiers: MedGen CN230736.

Allele frequency attached by ClinVar (database versions not stated): gnomAD exomes below 0.00001; ExAC 0.00001; gnomAD 0.00001; TOPMed 0.00002.
gnomAD v4.1: 3 of 1,614,000 alleles (0.00019%); highest among the groups gnomAD compares: East Asian, 0.0045%; no homozygotes.

Submissions (2):

Labcorp Genetics (formerly Invitae), Labcorp
Classification: Uncertain significance for Dilated cardiomyopathy 1HH; Myofibrillar myopathy 6. Last evaluated: 2025-12-09. Review status: criteria provided, single submitter. Criteria: Invitae Variant Classification Sherloc (09022015). Collection method: clinical testing. Allele origin: germline.
Comment: This sequence change replaces glycine, which is neutral and non-polar, with arginine, which is basic and polar, at codon 528 of the BAG3 protein (p.Gly528Arg). This variant is present in population databases (rs752007619, gnomAD 0.06%). This variant has not been reported in the literature in individuals affected with BAG3-related conditions. ClinVar contains an entry for this variant (Variation ID: 1005639). Invitae Evidence Modeling of protein sequence and biophysical properties (such as structural, functional, and spatial information, amino acid conservation, physicochemical variation, residue mobility, and thermodynamic stability) indicates that this missense variant is not expected to disrupt BAG3 protein function with a negative predictive value of 80%. In summary, the available evidence is currently insufficient to determine the role of this variant in disease. Therefore, it has been classified as a Variant of Uncertain Significance.

Ambry Genetics
Classification: Likely benign for Cardiovascular phenotype. Last evaluated: 2024-04-17. Review status: criteria provided, single submitter. Criteria: Ambry Variant Classification Scheme 2023. Collection method: clinical testing. Allele origin: germline.

NM_004281.4(BAG3):c.1582G>C (p.Gly528Arg)

Gene: BAG3 (BAG cochaperone 3; plus strand). Cytogenetic location: 10q26.11.
Variant type: single nucleotide variant.
Coding change: c.1582G>C on transcript NM_004281.4 (MANE Select); coding-DNA position 1582, G replaced by C.
Protein change: p.Gly528Arg; replaces glycine 528 with arginine.
Molecular consequence: missense variant.
Genome position (GRCh38, 1-based): chr10:119,677,136, G>C. VCF-style: chr10-119677136-G-C. GRCh37 (hg19) VCF-style: chr10-121436648-G-C.
Other names: short protein forms G528R.
Identifiers: ClinVar variation 1005639 (VCV001005639.8), dbSNP rs752007619, ClinGen allele CA5716578.